The following is an entry in ClinVar:

NM_000372.5(TYR):c.1264C>T (p.Arg422Trp)

Gene: TYR (tyrosinase; plus strand). Cytogenetic location: 11q14.3.
Variant type: single nucleotide variant.
Coding change: c.1264C>T on transcript NM_000372.5 (MANE Select); coding-DNA position 1264, C replaced by T.
Protein change: p.Arg422Trp; replaces arginine 422 with tryptophan.
Molecular consequence: missense variant.
Genome position (GRCh38, 1-based): chr11:89,284,852, C>T. VCF-style: chr11-89284852-C-T. GRCh37 (hg19) VCF-style: chr11-89018020-C-T.
Other names: short protein forms R422W.
Identifiers: ClinVar variation 437987 (VCV000437987.48), dbSNP rs749979474, ClinGen allele CA6221393.

ClinVar aggregate classification (germline): Pathogenic/Likely pathogenic. Review status: criteria provided, multiple submitters, no conflicts (2 of 4 stars). 9 submissions from 9 submitters: Pathogenic (5); Likely pathogenic (3). 1 of the submissions does not count toward it. Last evaluated 2026-01-19.

Conditions:
TYR-related disorder. Also called: TYR-related condition.
Oculocutaneous albinism type 1A (OCA1A). Also called: Albinism, oculocutaneous, type IA. Identifiers: Orphanet 352731, Orphanet 79431, MedGen C4551504, MONDO:0008745, OMIM 203100. Disease mechanism: loss of function.
Oculocutaneous albinism type 1B (OCA1B). Also called: ALBINISM, OCULOCUTANEOUS, TYPE IB; ALBINISM, YELLOW MUTANT TYPE; YELLOW ALBINISM. Identifiers: Orphanet 352731, Orphanet 352737, Orphanet 79434, MedGen C1847024, MONDO:0011749, OMIM 606952.
SKIN/HAIR/EYE PIGMENTATION 3, LIGHT/DARK SKIN (SHEP3). Also called: SKIN/HAIR/EYE PIGMENTATION, VARIATION IN, 3; SKIN/HAIR/EYE PIGMENTATION 3, BLUE/GREEN EYE COLOR; SKIN/HAIR/EYE PIGMENTATION 3, FRECKLING; EYE COLOR 1; EYE COLOR, GREEN/BLUE. Identifiers: MedGen C2677190, OMIM 601800.
Albinism. Identifiers: MedGen C0001916, MONDO:0043209, HP:0001022.

Allele frequency attached by ClinVar (database versions not stated): ExAC 0.00001; gnomAD exomes 0.00002 and 0.00004; TOPMed 0.00003; gnomAD 0.00004.

Submissions (9):

Labcorp Genetics (formerly Invitae), Labcorp
Classification: Pathogenic. Last evaluated: 2026-01-19. Review status: criteria provided, single submitter. Criteria: Invitae Variant Classification Sherloc (09022015). Collection method: clinical testing. Allele origin: germline.
Comment: This sequence change replaces arginine, which is basic and polar, with tryptophan, which is neutral and slightly polar, at codon 422 of the TYR protein (p.Arg422Trp). This variant is present in population databases (rs749979474, gnomAD 0.004%). This missense change has been observed in individual(s) with clinical features of TYR-related conditions (PMID: 13680365, 28667292, 28976636, 29345414, 32581362; internal data). ClinVar contains an entry for this variant (Variation ID: 437987). Invitae Evidence Modeling of protein sequence and biophysical properties (such as structural, functional, and spatial information, amino acid conservation, physicochemical variation, residue mobility, and thermodynamic stability) indicates that this missense variant is expected to disrupt TYR protein function with a positive predictive value of 95%. Experimental studies are conflicting or provide insufficient evidence to determine the effect of this variant on TYR function (PMID: 24392141, 27537549, 27775880). This variant disrupts the p.Arg422 amino acid residue in TYR. Other variant(s) that disrupt this residue have been determined to be pathogenic (PMID: 1900309, 31077556). This suggests that this residue is clinically significant, and that variants that disrupt this residue are likely to be disease-causing. For these reasons, this variant has been classified as Pathogenic.

GeneDx
Classification: Pathogenic. Last evaluated: 2025-09-15. Review status: criteria provided, single submitter. Criteria: GeneDx Variant Classification Process June 2021. Collection method: clinical testing. Allele origin: germline. Affected: yes.
Comment: Published functional studies have been inconsistent as to the effect of the p.(R422W) variant, with some studies showing only a slight decrease in enzyme activity and others showing no retained enzyme activity (PMID: 24392141, 27537549, 27775880, 30868138); In silico analysis supports that this missense variant has a deleterious effect on protein structure/function; This variant is associated with the following publications: (PMID: 28451379, 32898648, 27775880, 27537549, 28667292, 30868138, 28976636, 32581362, 31589614, 37872643, 34360537, 38542347, 13680365, 1900309, 29437493, 24392141, 33177702)

Laboratory of Genetic Epidemiology, Research Centre for Medical Genetics
Classification: Likely pathogenic for Oculocutaneous albinism type 1A; Oculocutaneous albinism type 1B. Last evaluated: 2025-01-01. Review status: criteria provided, single submitter. Criteria: ACMG Guidelines, 2015. Collection method: clinical testing. Allele origin: paternal. Inheritance: Autosomal recessive inheritance. Affected: yes. Observed: 1 compound heterozygote.
Comment: The missense variant NM_000372.5:c.1264C>T, p.(Arg422Trp) was identified in a compound heterozygous state in two probands diagnosed with albinism. This variant has been previously reported in the literature (PMIDs: 13680365, 27775880) and is listed in gnomAD v2.1.1 with allele frequency 0.00007 in Europe (5/67880), none in homozygous state. The affected amino acid position is evolutionarily conserved, and multiple in silico prediction tools support a deleterious effect. Taken together, the variant meets the following ACMG/AMP criteria and can be classified as likely pathogenic with PM2, PS3, PM3, PP5 criteria.

Baylor Genetics
Classification: Pathogenic for SKIN/HAIR/EYE PIGMENTATION 3, LIGHT/DARK SKIN. Last evaluated: 2024-01-22. Review status: criteria provided, single submitter. Criteria: ACMG Guidelines, 2015. Collection method: clinical testing. Allele origin: unknown.

Blueprint Genetics
Classification: Pathogenic for TYR-related disorders. Last evaluated: 2023-07-26. Review status: criteria provided, single submitter. Criteria: ACMG Guidelines, 2015. Collection method: clinical testing. Allele origin: germline. Affected: yes. Observed: 5 variant alleles.

MGZ Medical Genetics Center
Classification: Likely pathogenic for Oculocutaneous albinism type 1A. Last evaluated: 2022-05-30. Review status: criteria provided, single submitter. Criteria: ACMG Guidelines, 2015. Collection method: clinical testing. Allele origin: germline. Affected: yes. Observed: 1 variant allele.
Comment: ACMG criteria applied: PS4_MOD, PS3_SUP, PM2_SUP, PM3_SUP, PP3

CeGaT Center for Human Genetics Tuebingen
Classification: Pathogenic. Last evaluated: 2022-04-01. Review status: criteria provided, single submitter. Criteria: CeGaT Center For Human Genetics Tuebingen Variant Classification Criteria Version 2. Collection method: clinical testing. Allele origin: germline. Affected: yes. Observed: 3 variant alleles.

Genome-Nilou Lab
Classification: Likely pathogenic for Oculocutaneous albinism type 1A. Last evaluated: 2021-07-22. Review status: criteria provided, single submitter. Criteria: ACMG Guidelines, 2015. Collection method: clinical testing. Allele origin: germline. Affected: no.

NIHR Bioresource Rare Diseases, University of Cambridge
Classification: Likely pathogenic for Albinism. Last evaluated: 2015-01-01. Review status: no assertion criteria provided. Collection method: research. Allele origin: unknown. Affected: yes. Observed: 1 variant allele. Not counted in ClinVar's aggregate classification.

Literature cited by the submitters: PubMed 13680365 (cited by 3 submitters); PubMed 28667292 (cited by Labcorp Genetics (formerly Invitae), Labcorp); PubMed 28976636 (cited by Labcorp Genetics (formerly Invitae), Labcorp); PubMed 29345414 (cited by Labcorp Genetics (formerly Invitae), Labcorp); PubMed 32581362 (cited by Labcorp Genetics (formerly Invitae), Labcorp); PubMed 24392141 (cited by Labcorp Genetics (formerly Invitae), Labcorp); PubMed 27537549 (cited by Labcorp Genetics (formerly Invitae), Labcorp); PubMed 27775880 (cited by Labcorp Genetics (formerly Invitae), Labcorp and Laboratory of Genetic Epidemiology, Research Centre for Medical Genetics); PubMed 1900309 (cited by Labcorp Genetics (formerly Invitae), Labcorp); PubMed 31077556 (cited by Labcorp Genetics (formerly Invitae), Labcorp); PubMed 41428507 (cited by Laboratory of Genetic Epidemiology, Research Centre for Medical Genetics); PubMed 28041643 (cited by NIHR Bioresource Rare Diseases, University of Cambridge).